The following is an entry in ClinVar:

ClinVar aggregate classification (germline): Uncertain significance (1 of 4 stars; one submission).

Conditions:
Retinoblastoma (RB1). Also called: RETINOBLASTOMA, SOMATIC. Identifiers: Orphanet 790, MedGen C0035335, MeSH D012175, MONDO:0008380, OMIM 180200, HP:0009919. Disease mechanism: loss of function. Inheritance: Both sporadic and heritable forms are tested..

Submission:

Labcorp Genetics (formerly Invitae), Labcorp
Classification: Uncertain significance for Retinoblastoma. Last evaluated: 2022-06-08. Review status: criteria provided, single submitter. Criteria: Invitae Variant Classification Sherloc (09022015). Collection method: clinical testing. Allele origin: germline.
Comment: In summary, the available evidence is currently insufficient to determine the role of this variant in disease. Therefore, it has been classified as a Variant of Uncertain Significance. Algorithms developed to predict the effect of sequence changes on RNA splicing suggest that this variant may disrupt the consensus splice site. Algorithms developed to predict the effect of missense changes on protein structure and function are either unavailable or do not agree on the potential impact of this missense change (SIFT: "Deleterious"; PolyPhen-2: "Probably Damaging"; Align-GVGD: "Class C0"). This variant is also known as g.61806A>G. This missense change has been observed in individual(s) with retinoblastoma (PMID: 14722923). This variant is not present in population databases (gnomAD no frequency). This sequence change replaces glutamic acid, which is acidic and polar, with glycine, which is neutral and non-polar, at codon 313 of the RB1 protein (p.Glu313Gly).

Literature cited by the submitters: PubMed 14722923.

NM_000321.3(RB1):c.938A>G (p.Glu313Gly)

Gene: RB1 (RB transcriptional corepressor 1; plus strand). Cytogenetic location: 13q14.2.
Variant type: single nucleotide variant.
Coding change: c.938A>G on transcript NM_000321.3 (MANE Select); coding-DNA position 938, A replaced by G.
Protein change: p.Glu313Gly; replaces glutamic acid 313 with glycine.
Molecular consequence: missense variant.
Genome position (GRCh38, 1-based): chr13:48,364,970, A>G. VCF-style: chr13-48364970-A-G. GRCh37 (hg19) VCF-style: chr13-48939106-A-G.
Other names: c.938A>G, p.Glu313Gly (NM_001407165.1, NM_001407166.1); short protein forms E313G.
Identifiers: ClinVar variation 2137495 (VCV002137495.4), dbSNP rs2542185301, ClinGen allele CA388160098.